The following is an entry in ClinVar:

NM_000318.3(PEX2):c.*1242A>G

Gene: PEX2 (peroxisomal biogenesis factor 2; minus strand). Cytogenetic location: 8q21.13.
Variant type: single nucleotide variant.
Coding change: c.*1242A>G on transcript NM_000318.3 (MANE Select); 1242 bases downstream of the stop codon, A replaced by G.
Molecular consequence: 3 prime UTR variant.
Genome position (GRCh38, 1-based): chr8:76,982,019, T>C on the plus strand (A>G on the coding strand, the complement: PEX2 is on the minus strand). VCF-style: chr8-76982019-T-C. GRCh37 (hg19) VCF-style: chr8-77894255-T-C.
Other names: c.*1242A>G (NM_001079867.2, NM_001172086.2, NM_001172087.2).
Identifiers: ClinVar variation 363797 (VCV000363797.5), dbSNP rs73691481, ClinGen allele CA10631568.

ClinVar aggregate classification (germline): Benign (1 of 4 stars; one submission).

Conditions:
Peroxisome biogenesis disorder 5A (Zellweger) (PBD5A). Identifiers: Orphanet 912, MedGen C3553940, MONDO:0013932, OMIM 614866.

Allele frequency attached by ClinVar (database versions not stated): gnomAD 0.00943 and 0.01024; 1000 Genomes Project 0.00958; TOPMed 0.01086; 1000 Genomes Project 30x 0.01140.

Submission:

Illumina Laboratory Services, Illumina
Classification: Benign for Peroxisome biogenesis disorder 5A (Zellweger). Last evaluated: 2018-01-13. Review status: criteria provided, single submitter. Criteria: ICSL Variant Classification Criteria 13 December 2019. Collection method: clinical testing. Allele origin: germline.
Comment: This variant was observed in the ICSL laboratory as part of a predisposition screen in an ostensibly healthy population. It had not been previously curated by ICSL or reported in the Human Gene Mutation Database (HGMD: prior to June 1st, 2018), and was therefore a candidate for classification through an automated scoring system. Utilizing variant allele frequency, disease prevalence and penetrance estimates, and inheritance mode, an automated score was calculated to assess if this variant is too frequent to cause the disease. Based on the score and internal cut-off values, a variant classified as benign is not then subjected to further curation. The score for this variant resulted in a classification of benign for this disease.